The following is an entry in ClinVar:

NM_003640.5(ELP1):c.3855+1G>T

Gene: ELP1 (elongator acetyltransferase complex subunit 1; minus strand). Cytogenetic location: 9q31.3.
Variant type: single nucleotide variant.
Coding change: c.3855+1G>T on transcript NM_003640.5 (MANE Select); the canonical splice donor site of the intron after coding-DNA position 3855, G replaced by T.
Molecular consequence: splice donor variant.
Genome position (GRCh38, 1-based): chr9:108,877,994, C>A on the plus strand (G>T on the coding strand, the complement: ELP1 is on the minus strand). VCF-style: chr9-108877994-C-A. GRCh37 (hg19) VCF-style: chr9-111640274-C-A.
Other names: c.3513+1G>T (NM_001318360.2); c.2808+1G>T (NM_001330749.2).
Identifiers: ClinVar variation 956481 (VCV000956481.8), dbSNP rs1827764134, ClinGen allele CA374410515.

ClinVar aggregate classification (germline): Likely pathogenic (1 of 4 stars; one submission).

Allele frequency attached by ClinVar (database versions not stated): gnomAD exomes below 0.00001.

Submission:

Labcorp Genetics (formerly Invitae), Labcorp
Classification: Likely pathogenic. Last evaluated: 2019-08-12. Review status: criteria provided, single submitter. Criteria: Invitae Variant Classification Sherloc (09022015). Collection method: clinical testing. Allele origin: germline.
Comment: This variant is not present in population databases (ExAC no frequency). This sequence change affects a donor splice site in intron 35 of the ELP1 gene. It is expected to disrupt RNA splicing and likely results in an absent or disrupted protein product. This variant has not been reported in the literature in individuals with ELP1-related conditions. In summary, the currently available evidence indicates that the variant is pathogenic, but additional data are needed to prove that conclusively. Therefore, this variant has been classified as Likely Pathogenic. Donor and acceptor splice site variants typically lead to a loss of protein function (PMID: 16199547), and loss-of-function variants in ELP1 are known to be pathogenic (PMID: 18303054, 24173031). Algorithms developed to predict the effect of sequence changes on RNA splicing suggest that this variant may disrupt the consensus splice site, but this prediction has not been confirmed by published transcriptional studies.

Literature cited by the submitters: PubMed 16199547; PubMed 18303054; PubMed 24173031.